The following is an entry in ClinVar:

NM_000178.4(GSS):c.1108G>A (p.Gly370Arg)

Gene: GSS (glutathione synthetase; minus strand). Cytogenetic location: 20q11.22.
Variant type: single nucleotide variant.
Coding change: c.1108G>A on transcript NM_000178.4 (MANE Select); coding-DNA position 1108, G replaced by A.
Protein change: p.Gly370Arg; replaces glycine 370 with arginine.
Molecular consequence: missense variant.
Genome position (GRCh38, 1-based): chr20:34,931,339, C>T on the plus strand (G>A on the coding strand, the complement: GSS is on the minus strand). VCF-style: chr20-34931339-C-T. GRCh37 (hg19) VCF-style: chr20-33519142-C-T.
Other names: c.1108G>A, p.Gly370Arg (NM_001322494.1, NM_001322495.1); short protein forms G370R.
Identifiers: ClinVar variation 4032842 (VCV004032842.1).

ClinVar aggregate classification (germline): Uncertain significance (1 of 4 stars; one submission).

Conditions:
Inborn genetic diseases. Identifiers: MedGen C0950123, MeSH D030342.

Submission:

Ambry Genetics
Classification: Uncertain significance for Inborn genetic diseases. Last evaluated: 2025-04-19. Review status: criteria provided, single submitter. Criteria: Ambry Variant Classification Scheme 2023. Collection method: clinical testing. Allele origin: germline.
Comment: The p.G370R variant (also known as c.1108G>A), located in coding exon 10 of the GSS gene, results from a G to A substitution at nucleotide position 1108. The glycine at codon 370 is replaced by arginine, an amino acid with dissimilar properties. This amino acid position is conserved. In addition, this alteration is predicted to be deleterious by in silico analysis. Based on the available evidence, the clinical significance of this variant remains unclear.